The following is an entry in ClinVar:

ClinVar aggregate classification (germline): Uncertain significance (1 of 4 stars; one submission).

Submission:

Labcorp Genetics (formerly Invitae), Labcorp
Classification: Uncertain significance. Last evaluated: 2024-11-19. Review status: criteria provided, single submitter. Criteria: Invitae Variant Classification Sherloc (09022015). Collection method: clinical testing. Allele origin: germline.
Comment: This sequence change replaces glutamine, which is neutral and polar, with leucine, which is neutral and non-polar, at codon 529 of the CDH2 protein (p.Gln529Leu). This variant is not present in population databases (gnomAD no frequency). This variant has not been reported in the literature in individuals affected with CDH2-related conditions. An algorithm developed to predict the effect of missense changes on protein structure and function (PolyPhen-2) suggests that this variant is likely to be tolerated. In summary, the available evidence is currently insufficient to determine the role of this variant in disease. Therefore, it has been classified as a Variant of Uncertain Significance.

NM_001792.5(CDH2):c.1586A>T (p.Gln529Leu)

Gene: CDH2 (cadherin 2; minus strand). Cytogenetic location: 18q12.1.
Variant type: single nucleotide variant.
Coding change: c.1586A>T on transcript NM_001792.5 (MANE Select); coding-DNA position 1586, A replaced by T.
Protein change: p.Gln529Leu; replaces glutamine 529 with leucine.
Molecular consequence: missense variant.
Genome position (GRCh38, 1-based): chr18:27,990,109, T>A on the plus strand (A>T on the coding strand, the complement: CDH2 is on the minus strand). VCF-style: chr18-27990109-T-A. GRCh37 (hg19) VCF-style: chr18-25570073-T-A.
Other names: c.1493A>T, p.Gln498Leu (NM_001308176.2); short protein forms Q498L, Q529L.
Identifiers: ClinVar variation 3670228 (VCV003670228.2).